The following is an entry in ClinVar:

ClinVar aggregate classification (germline): Uncertain significance (1 of 4 stars; one submission).

Conditions:
Familial cancer of breast. Also called: BREAST CANCER, FAMILIAL; Hereditary breast cancer; hereditary breast carcinoma. Identifiers: Orphanet 227535, MedGen C0346153, MONDO:0016419, OMIM 114480. Disease mechanism: loss of function.

Allele frequency attached by ClinVar (database versions not stated): gnomAD exomes below 0.00001.
gnomAD v4.1: 1 of 1,614,178 alleles (0.000062%); highest among the groups gnomAD compares: Non-Finnish European, 0.000085%; no homozygotes.

Submission:

Labcorp Genetics (formerly Invitae), Labcorp
Classification: Uncertain significance for Familial cancer of breast. Last evaluated: 2022-01-28. Review status: criteria provided, single submitter. Criteria: Invitae Variant Classification Sherloc (09022015). Collection method: clinical testing. Allele origin: germline.
Comment: In summary, the available evidence is currently insufficient to determine the role of this variant in disease. Therefore, it has been classified as a Variant of Uncertain Significance. Algorithms developed to predict the effect of missense changes on protein structure and function are either unavailable or do not agree on the potential impact of this missense change (SIFT: "Deleterious"; PolyPhen-2: "Probably Damaging"; Align-GVGD: "Class C0"). This variant has not been reported in the literature in individuals affected with PALB2-related conditions. This variant is not present in population databases (gnomAD no frequency). This sequence change replaces glutamic acid, which is acidic and polar, with glycine, which is neutral and non-polar, at codon 657 of the PALB2 protein (p.Glu657Gly).

NM_024675.4(PALB2):c.1970A>G (p.Glu657Gly)

Gene: PALB2 (partner and localizer of BRCA2; minus strand). Cytogenetic location: 16p12.2.
Variant type: single nucleotide variant.
Coding change: c.1970A>G on transcript NM_024675.4 (MANE Select); coding-DNA position 1970, A replaced by G.
Protein change: p.Glu657Gly; replaces glutamic acid 657 with glycine.
Molecular consequence: missense variant.
Genome position (GRCh38, 1-based): chr16:23,630,184, T>C on the plus strand (A>G on the coding strand, the complement: PALB2 is on the minus strand). VCF-style: chr16-23630184-T-C. GRCh37 (hg19) VCF-style: chr16-23641505-T-C.
Other names: short protein forms E657G.
Identifiers: ClinVar variation 1387742 (VCV001387742.7), dbSNP rs2142384653, ClinGen allele CA395127316.